The following is an entry in ClinVar:

NM_130839.5(UBE3A):c.2519G>C (p.Cys840Ser)

Genes: SNHG14 (small nucleolar RNA host gene 14; plus strand), UBE3A (ubiquitin protein ligase E3A; minus strand). Cytogenetic location: 15q11.2.
Variant type: single nucleotide variant.
Coding change: c.2519G>C on transcript NM_130839.5 (MANE Select); coding-DNA position 2519, G replaced by C.
Protein change: p.Cys840Ser; replaces cysteine 840 with serine.
Molecular consequence: missense variant. On other transcripts: non-coding transcript variant (1).
Genome position (GRCh38, 1-based): chr15:25,339,237, C>G on the plus strand (G>C on the coding strand, the complement: UBE3A is on the minus strand). VCF-style: chr15-25339237-C-G. GRCh37 (hg19) VCF-style: chr15-25584384-C-G.
Other names: c.2528G>C, p.Cys843Ser (NM_000462.5); c.2519G>C, p.Cys840Ser (NM_001354505.1, NM_001354538.2); c.2459G>C, p.Cys820Ser (NM_001354506.2, NM_001354507.2, NM_001354508.2 and 14 more transcripts); c.2363G>C, p.Cys788Ser (NM_001354545.2); c.2342G>C, p.Cys781Ser (NM_001354546.2); c.2303G>C, p.Cys768Ser (NM_001354547.2, NM_001354548.2); c.2294G>C, p.Cys765Ser (NM_001354549.2); c.1268G>C, p.Cys423Ser (NM_001354550.2); and 1 more; short protein forms C820S, C768S, C840S, C843S, C403S, C765S, C788S, C423S.
Identifiers: ClinVar variation 421035 (VCV000421035.3), dbSNP rs868694099, ClinGen allele CA16619903.
Genomic context (GRCh38, chr15:25,339,237, plus strand): 5'-AACAATCTCTCTTTAAGTTTTTCTTTGCTTGAGTATTCCGGAAGTAAAAGCACATTAAAG[C>G]AAGTATGAGATGTAGGTAACCTAAATAGAGAAAAGGGGAAAAAAACAGGAAAACTGTAAG-3'
Protein context (NP_570854.1, residues 830-850): DTERLPTSHT[Cys840Ser]FNVLLLPEYS

ClinVar aggregate classification (germline): Likely pathogenic (1 of 4 stars; one submission).

Submission:

GeneDx
Classification: Likely pathogenic. Last evaluated: 2019-11-14. Review status: criteria provided, single submitter. Criteria: GeneDx Variant Classification Process June 2021. Collection method: clinical testing. Allele origin: germline. Affected: yes.
Comment: Not observed in large population cohorts (Lek et al., 2016); The majority of missense variants in this gene are considered pathogenic (Stenson et al., 2014); In silico analysis, which includes protein predictors and evolutionary conservation, supports a deleterious effect; Has not been previously published as pathogenic or benign to our knowledge; This variant is associated with the following publications: (PMID: 31235931)